The following is an entry in ClinVar:

ClinVar aggregate classification (germline): Likely benign. Review status: criteria provided, multiple submitters, no conflicts (2 of 4 stars). 3 submissions from 3 submitters: Likely benign (2). 1 of the submissions does not count toward it. Last evaluated 2026-07-01.

Conditions:
Intellectual developmental disorder, autosomal recessive 47. Also called: Intellectual disability, autosomal recessive 47. Identifiers: Orphanet 88616, MedGen C4015444, MONDO:0014524, OMIM 616193.
FMN2-related disorder. Also called: FMN2-related condition.

Submissions (3):

CeGaT Center for Human Genetics Tuebingen
Classification: Likely benign. Last evaluated: 2026-07-01. Review status: criteria provided, single submitter. Criteria: CeGaT Center For Human Genetics Tuebingen Variant Classification Criteria Version 2. Collection method: clinical testing. Allele origin: germline. Affected: yes. Observed: 22 variant alleles.
Comment: FMN2: PM4:Supporting, BS1

Fulgent Genetics
Classification: Likely benign for Intellectual developmental disorder, autosomal recessive 47. Last evaluated: 2022-05-19. Review status: criteria provided, single submitter. Criteria: ACMG Guidelines, 2015. Collection method: clinical testing. Allele origin: unknown.

PreventionGenetics, part of Exact Sciences
Classification: Likely benign for FMN2-related condition. Last evaluated: 2022-09-28. Review status: no assertion criteria provided. Collection method: clinical testing. Allele origin: germline. Not counted in ClinVar's aggregate classification.
Comment: This variant is classified as likely benign based on ACMG/AMP sequence variant interpretation guidelines (Richards et al. 2015 PMID: 25741868, with internal and published modifications).

NM_020066.5(FMN2):c.3324TCC[1] (p.Pro1112del)

Gene: FMN2 (formin 2; plus strand). Cytogenetic location: 1q43.
Variant type: Microsatellite.
Coding change: c.3324TCC[1] on transcript NM_020066.5 (MANE Select); one copy of the 3-base unit TCC starting at c.3324; the reference has two copies in a row; one copy, 3 bases deleted; also written c.3327_3329del.
Protein change: p.Pro1112del; deletes proline 1112.
Molecular consequence: inframe deletion. On other transcripts: intron variant (1).
Genome position (GRCh38, 1-based): chr1:240,208,139-240,208,141, TCC deleted; deleting any 3 consecutive bases within chr1:240,208,134-240,208,141 gives the same sequence; the position shown is the placement nearest the transcript's 3' end. VCF-style (leftmost placement, unchanged base first): chr1-240208133-ACCT-A. GRCh37 (hg19) VCF-style: chr1-240371433-ACCT-A.
Other names: c.3336TCC[1], p.Pro1116del (NM_001305424.2); c.1986+19877_1986+19879del (NM_001348094.2); c.3327_3329del (NM_020066.5); c.3327_3329delTCC (NM_020066.4); short protein forms P1112del, P1116del.
Identifiers: ClinVar variation 1694551 (VCV001694551.33), dbSNP rs780903069, ClinGen allele CA1477091.